The following is an entry in ClinVar:

ClinVar aggregate classification (germline): Uncertain significance (1 of 4 stars; one submission).

Allele frequency attached by ClinVar (database versions not stated): gnomAD exomes below 0.00001; ExAC 0.00002.

Submission:

Ambry Genetics
Classification: Uncertain significance. Last evaluated: 2024-02-25. Review status: criteria provided, single submitter. Criteria: Ambry Variant Classification Scheme 2023. Collection method: clinical testing. Allele origin: germline.
Comment: The p.W226G variant (also known as c.676T>G), located in coding exon 7 of the RAD54L gene, results from a T to G substitution at nucleotide position 676. The tryptophan at codon 226 is replaced by glycine, an amino acid with highly dissimilar properties. This amino acid position is conserved. In addition, this alteration is predicted to be deleterious by in silico analysis. Since supporting evidence is limited at this time, the clinical significance of this alteration remains unclear.

NM_003579.4(RAD54L):c.676T>G (p.Trp226Gly)

Gene: RAD54L (RAD54 like; plus strand). Cytogenetic location: 1p34.1.
Variant type: single nucleotide variant.
Coding change: c.676T>G on transcript NM_003579.4 (MANE Select); coding-DNA position 676, T replaced by G.
Protein change: p.Trp226Gly; replaces tryptophan 226 with glycine.
Molecular consequence: missense variant.
Genome position (GRCh38, 1-based): chr1:46,260,925, T>G. VCF-style: chr1-46260925-T-G. GRCh37 (hg19) VCF-style: chr1-46726597-T-G.
Other names: c.676T>G, p.Trp226Gly (NM_001142548.2); c.136T>G, p.Trp46Gly (NM_001370766.1); short protein forms W226G, W46G.
Identifiers: ClinVar variation 1755355 (VCV001755355.2), dbSNP rs781766692, ClinGen allele CA834326.